The following is an entry in ClinVar:

NM_018979.4(WNK1):c.3638A>G (p.Asp1213Gly)

Gene: WNK1 (WNK lysine deficient protein kinase 1; plus strand). Cytogenetic location: 12p13.33.
Variant type: single nucleotide variant.
Coding change: c.3638A>G on transcript NM_018979.4 (MANE Select); coding-DNA position 3638, A replaced by G.
Protein change: p.Asp1213Gly; replaces aspartic acid 1213 with glycine.
Molecular consequence: missense variant.
Genome position (GRCh38, 1-based): chr12:883,543, A>G. VCF-style: chr12-883543-A-G. GRCh37 (hg19) VCF-style: chr12-992709-A-G.
Other names: c.4418A>G, p.Asp1473Gly (NM_001184985.2); c.2897A>G, p.Asp966Gly (NM_014823.3); c.4394A>G, p.Asp1465Gly (NM_213655.5); short protein forms D1213G, D1465G, D966G, D1473G.
Identifiers: ClinVar variation 1969744 (VCV001969744.6), dbSNP rs1953367498, ClinGen allele CA383329374.
Genomic context (GRCh38, chr12:883,543, plus strand): 5'-GTGAGGATGTCAGTGTGGAACCAGAGGGTGATCAGGGATTGGAGAGTCTACAAGGAAAGG[A>G]TGACTATGGCTTTTCAGGTTCTCAGGTAGGTTCACCACTCCCATAGTGAAACTTTGTTGA-3'
Protein context (NP_061852.3, residues 1203-1223): DQGLESLQGK[Asp1213Gly]DYGFSGSQKL

ClinVar aggregate classification (germline): Uncertain significance. Review status: criteria provided, multiple submitters, no conflicts (2 of 4 stars). 2 submissions from 2 submitters: Uncertain significance (2). Last evaluated 2024-05-24.

Conditions:
Neuropathy, hereditary sensory and autonomic, type 2A (HSAN2A). Also called: HSAN IIA; WNK1-Related HSAN2 (HSAN2A); ACROOSTEOLYSIS, GIACCAI TYPE; ACROOSTEOLYSIS, NEUROGENIC; MORVAN DISEASE; NEUROPATHY, CONGENITAL SENSORY. Identifiers: Orphanet 970, MedGen C2752089, MONDO:0024309, OMIM 201300.
Pseudohypoaldosteronism type 2C (PHA2C). Also called: Pseudohypoaldosteronism Type IIC. Identifiers: Orphanet 757, Orphanet 88940, MedGen C1840391, MONDO:0013778, OMIM 614492.

Allele frequency attached by ClinVar (database versions not stated): TOPMed 0.00001.

Submissions (2):

Fulgent Genetics
Classification: Uncertain significance for Neuropathy, hereditary sensory and autonomic, type 2A; Pseudohypoaldosteronism type 2C. Last evaluated: 2024-05-24. Review status: criteria provided, single submitter. Criteria: ACMG Guidelines, 2015. Collection method: clinical testing. Allele origin: germline.

Labcorp Genetics (formerly Invitae), Labcorp
Classification: Uncertain significance for Neuropathy, hereditary sensory and autonomic, type 2A; Pseudohypoaldosteronism type 2C. Last evaluated: 2022-03-02. Review status: criteria provided, single submitter. Criteria: Invitae Variant Classification Sherloc (09022015). Collection method: clinical testing. Allele origin: germline.
Comment: This sequence change replaces aspartic acid, which is acidic and polar, with glycine, which is neutral and non-polar, at codon 1465 of the WNK1 protein (p.Asp1465Gly). In summary, the available evidence is currently insufficient to determine the role of this variant in disease. Therefore, it has been classified as a Variant of Uncertain Significance. Advanced modeling of protein sequence and biophysical properties (such as structural, functional, and spatial information, amino acid conservation, physicochemical variation, residue mobility, and thermodynamic stability) performed at Invitae indicates that this missense variant is not expected to disrupt WNK1 protein function. This variant has not been reported in the literature in individuals affected with WNK1-related conditions. This variant is not present in population databases (gnomAD no frequency).